The following is an entry in ClinVar:

ClinVar aggregate classification (germline): Likely pathogenic (1 of 4 stars; one submission).

Conditions:
Bainbridge-Ropers syndrome. Also called: Severe feeding difficulties-failure to thrive-microcephaly due to ASXL3 deficiency syndrome. Identifiers: Orphanet 352577, MedGen C4750837, MONDO:0014205, OMIM 615485.

Submission:

Molecular Genetics Laboratory, Motol Hospital
Classification: Likely pathogenic for Bainbridge-Ropers syndrome. Last evaluated: 2024-12-13. Review status: criteria provided, single submitter. Criteria: ACMG Guidelines, 2015. Collection method: clinical testing. Allele origin: germline. Affected: yes. Observed: 1 variant allele.
Comment: Rare truncating variants affecting the ASXL3 gene are documented as a molecular cause of "Bainbridge-Ropers syndrome" (BRPS; OMIM:615485; PMID:32576034;27901041;23383720;28100473;26647312).To conclude, the variant is classified as likely pathogenic (ACMG PM2, PVS1).

Literature cited by the submitters: PubMed 32576034; PubMed 27901041; PubMed 23383720; PubMed 28100473; PubMed 26647312.

NM_030632.3(ASXL3):c.956G>A (p.Trp319Ter)

Gene: ASXL3 (ASXL transcriptional regulator 3; plus strand). Cytogenetic location: 18q12.1.
Variant type: single nucleotide variant.
Coding change: c.956G>A on transcript NM_030632.3 (MANE Select); coding-DNA position 956, G replaced by A.
Protein change: p.Trp319Ter; replaces tryptophan 319 with a stop codon.
Molecular consequence: nonsense.
Genome position (GRCh38, 1-based): chr18:33,732,044, G>A. VCF-style: chr18-33732044-G-A. GRCh37 (hg19) VCF-style: chr18-31312008-G-A.
Other names: short protein forms W319*.
Identifiers: ClinVar variation 3387771 (VCV003387771.2).